The following is an entry in ClinVar:

ClinVar aggregate classification (germline): Likely benign. Review status: criteria provided, multiple submitters, no conflicts (2 of 4 stars). 2 submissions from 2 submitters: Likely benign (2). Last evaluated 2025-06-04.

Conditions:
Weaver syndrome (WVS). Also called: Weaver Smith syndrome; Overgrowth syndrome with accelerated skeletal maturation, unusual facies, and camptodactyly. Identifiers: Orphanet 3447, MedGen C0265210, MONDO:0010193, OMIM 277590.
EZH2-related disorder.

Allele frequency attached by ClinVar (database versions not stated): gnomAD exomes 0.00002 and 0.00003; TOPMed 0.00002; gnomAD 0.00004 and 0.00005; ExAC 0.00008; 1000 Genomes Project 0.00060; 1000 Genomes Project 30x 0.00062.
gnomAD v4.1: 33 of 1,613,446 alleles (0.002%); highest among the groups gnomAD compares: Middle Eastern, 0.017%; no homozygotes.

Submissions (2):

Labcorp Genetics (formerly Invitae), Labcorp
Classification: Likely benign for Weaver syndrome. Last evaluated: 2025-06-04. Review status: criteria provided, single submitter. Criteria: Invitae Variant Classification Sherloc (09022015). Collection method: clinical testing. Allele origin: germline.

PreventionGenetics, part of Exact Sciences
Classification: Likely benign for EZH2-related condition. Last evaluated: 2025-01-02. Review status: criteria provided, single submitter. Criteria: ACMG Guidelines, 2015. Collection method: clinical testing. Allele origin: germline.
Comment: This variant is classified as likely benign based on ACMG/AMP sequence variant interpretation guidelines (Richards et al. 2015 PMID: 25741868, with internal and published modifications).

NM_004456.5(EZH2):c.1548C>T (p.Asp516=)

Gene: EZH2 (enhancer of zeste 2 polycomb repressive complex 2 subunit; minus strand). Cytogenetic location: 7q36.1.
Variant type: single nucleotide variant.
Coding change: c.1548C>T on transcript NM_004456.5 (MANE Select); coding-DNA position 1548, C replaced by T.
Protein change: p.Asp516=; no amino-acid change (aspartic acid 516 retained).
Molecular consequence: synonymous variant. On other transcripts: intron variant (1).
Genome position (GRCh38, 1-based): chr7:148,815,038, G>A on the plus strand (C>T on the coding strand, the complement: EZH2 is on the minus strand). VCF-style: chr7-148815038-G-A. GRCh37 (hg19) VCF-style: chr7-148512130-G-A.
Other names: c.1533C>T, p.Asp511= (NM_001203247.2); c.1506C>T, p.Asp502= (NM_001203248.2); c.1416C>T, p.Asp472= (NM_152998.3); c.1504+468C>T (NM_001203249.2).
Identifiers: ClinVar variation 697356 (VCV000697356.12), dbSNP rs199901053, ClinGen allele CA4547837.
Genomic context (GRCh38, chr7:148,815,038, plus strand): 5'-GTCACAAGGCTGCCGTGGATGATCACAGGGTTGATAGTTGTAAACATGGTTAGAGGAGCC[G>A]TCTGAGTAAAGATAACATCATGCAGGCCAATGAATCCAGGGAGATGGAAACGATCATACA-3'
Protein context (NP_004447.2, residues 506-526): AHCRKIQLKK[Asp516=]GSSNHVYNYQ